The following is an entry in ClinVar:

ClinVar aggregate classification (germline): Uncertain significance (1 of 4 stars; one submission).

Allele frequency attached by ClinVar (database versions not stated): gnomAD exomes below 0.00001; TOPMed below 0.00001; gnomAD 0.00001.
gnomAD v4.1: 5 of 1,525,504 alleles (0.00033%); highest among the groups gnomAD compares: Non-Finnish European, 0.00044%; no homozygotes.

Submission:

Labcorp Genetics (formerly Invitae), Labcorp
Classification: Uncertain significance. Last evaluated: 2023-11-19. Review status: criteria provided, single submitter. Criteria: Invitae Variant Classification Sherloc (09022015). Collection method: clinical testing. Allele origin: germline.
Comment: This sequence change replaces glycine, which is neutral and non-polar, with aspartic acid, which is acidic and polar, at codon 256 of the CDK13 protein (p.Gly256Asp). The frequency data for this variant in the population databases is considered unreliable, as metrics indicate poor data quality at this position in the gnomAD database. This variant has not been reported in the literature in individuals affected with CDK13-related conditions. Advanced modeling of protein sequence and biophysical properties (such as structural, functional, and spatial information, amino acid conservation, physicochemical variation, residue mobility, and thermodynamic stability) performed at Invitae indicates that this missense variant is not expected to disrupt CDK13 protein function with a negative predictive value of 95%. In summary, the available evidence is currently insufficient to determine the role of this variant in disease. Therefore, it has been classified as a Variant of Uncertain Significance.

NM_003718.5(CDK13):c.767G>A (p.Gly256Asp)

Gene: CDK13 (cyclin dependent kinase 13; plus strand). Cytogenetic location: 7p14.1.
Variant type: single nucleotide variant.
Coding change: c.767G>A on transcript NM_003718.5 (MANE Select); coding-DNA position 767, G replaced by A.
Protein change: p.Gly256Asp; replaces glycine 256 with aspartic acid.
Molecular consequence: missense variant.
Genome position (GRCh38, 1-based): chr7:39,951,408, G>A. VCF-style: chr7-39951408-G-A. GRCh37 (hg19) VCF-style: chr7-39991007-G-A.
Other names: c.767G>A, p.Gly256Asp (NM_031267.4); short protein forms G256D.
Identifiers: ClinVar variation 2775586 (VCV002775586.3), dbSNP rs1318084935, ClinGen allele CA367310444.